The following is an entry in ClinVar:

NC_000004.11:g.(?_110662049)_(110673679_?)del

Gene: CFI (complement factor I; minus strand). Cytogenetic location: 4q25.
Variant type: Deletion.
Identifiers: ClinVar variation 2422584 (VCV002422584.4).

ClinVar aggregate classification (germline): Pathogenic (1 of 4 stars; one submission).

Submission:

Labcorp Genetics (formerly Invitae), Labcorp
Classification: Pathogenic. Last evaluated: 2023-07-14. Review status: criteria provided, single submitter. Criteria: Invitae Variant Classification Sherloc (09022015). Collection method: clinical testing. Allele origin: germline.
Comment: This variant is a gross deletion of the genomic region encompassing exon(s) 8-13 of the CFI gene, which includes the termination codon. This deletion extends beyond the assayed region for this gene and therefore may encompass additional genes. While this deletion is not anticipated to lead to nonsense mediated decay, it is expected to alter mRNA translation or result in a truncated protein product. This variant has not been reported in the literature in individuals affected with CFI-related conditions. This variant disrupts a region of the CFI protein in which other variant(s) (p.His380Arg) have been determined to be pathogenic (PMID: 28942469, 29696024). This suggests that this is a clinically significant region of the protein, and that variants that disrupt it are likely to be disease-causing. For these reasons, this variant has been classified as Pathogenic.

Literature cited by the submitters: PubMed 28942469; PubMed 29696024.